The following is an entry in ClinVar:

NM_002609.4(PDGFRB):c.3161C>G (p.Thr1054Ser)

Gene: PDGFRB (platelet derived growth factor receptor beta; minus strand). Cytogenetic location: 5q32.
Variant type: single nucleotide variant.
Coding change: c.3161C>G on transcript NM_002609.4 (MANE Select); coding-DNA position 3161, C replaced by G.
Protein change: p.Thr1054Ser; replaces threonine 1054 with serine.
Molecular consequence: missense variant.
Genome position (GRCh38, 1-based): chr5:150,115,923, G>C on the plus strand (C>G on the coding strand, the complement: PDGFRB is on the minus strand). VCF-style: chr5-150115923-G-C. GRCh37 (hg19) VCF-style: chr5-149495486-G-C.
Other names: c.2969C>G, p.Thr990Ser (NM_001355016.2); c.2678C>G, p.Thr893Ser (NM_001355017.2); short protein forms T1054S, T893S, T990S.
Identifiers: ClinVar variation 1306923 (VCV001306923.3), dbSNP rs900848864, ClinGen allele CA129096973.

ClinVar aggregate classification (germline): Uncertain significance. Review status: criteria provided, multiple submitters, no conflicts (2 of 4 stars). 2 submissions from 2 submitters: Uncertain significance (2). Last evaluated 2025-12-09.

Conditions:
Inborn genetic diseases. Identifiers: MedGen C0950123, MeSH D030342.

Allele frequency attached by ClinVar (database versions not stated): gnomAD 0.00001; gnomAD exomes 0.00002; TOPMed 0.00003.
gnomAD v4.1: 42 of 1,585,826 alleles (0.0026%); highest among the groups gnomAD compares: Non-Finnish European, 0.0036%; no homozygotes.

Submissions (2):

Ambry Genetics
Classification: Uncertain significance for Inborn genetic diseases. Last evaluated: 2025-12-09. Review status: criteria provided, single submitter. Criteria: Ambry Variant Classification Scheme 2023. Collection method: clinical testing. Allele origin: germline.

GeneDx
Classification: Uncertain significance. Last evaluated: 2019-07-11. Review status: criteria provided, single submitter. Criteria: GeneDx Variant Classification Process June 2021. Collection method: clinical testing. Allele origin: germline. Affected: yes.
Comment: Not observed at a significant frequency in large population cohorts (Lek et al., 2016); In silico analysis, which includes protein predictors and evolutionary conservation, supports that this variant does not alter protein structure/function; Has not been previously published as pathogenic or benign to our knowledge